The following is an entry in ClinVar:

ClinVar aggregate classification (germline): Benign/Likely benign. Review status: criteria provided, multiple submitters, no conflicts (2 of 4 stars). 4 submissions from 4 submitters: Benign (3); Likely benign (1). Last evaluated 2025-03-11.

Conditions:
Hereditary sensory neuropathy-deafness-dementia syndrome. Also called: NEUROPATHY, HEREDITARY SENSORY, WITH HEARING LOSS AND DEMENTIA; HSN IE; Hereditary sensory neuropathy type IE; Hereditary Sensory and Autonomic Neuropathy Type 1E (HSAN1E). Identifiers: Orphanet 456318, MedGen C3279885, MONDO:0013584, OMIM 614116.
DNMT1-related disorder. Also called: DNMT1-related condition. Identifiers: MedGen CN381527.

Allele frequency attached by ClinVar (database versions not stated): gnomAD 0.00001 and 0.00007; TOPMed 0.00002; gnomAD exomes 0.00011 and 0.00023; ExAC 0.00025; 1000 Genomes Project 0.00120; 1000 Genomes Project 30x 0.00141.
gnomAD v4.1: 173 of 1,614,226 alleles (0.011%); highest among the groups gnomAD compares: South Asian, 0.18%; 1 homozygote.

Submissions (4):

PreventionGenetics, part of Exact Sciences
Classification: Likely benign for DNMT1-related condition. Last evaluated: 2025-03-11. Review status: criteria provided, single submitter. Criteria: ACMG Guidelines, 2015. Collection method: clinical testing. Allele origin: germline.
Comment: This variant is classified as likely benign based on ACMG/AMP sequence variant interpretation guidelines (Richards et al. 2015 PMID: 25741868, with internal and published modifications).

Labcorp Genetics (formerly Invitae), Labcorp
Classification: Benign for Hereditary sensory neuropathy-deafness-dementia syndrome. Last evaluated: 2025-01-29. Review status: criteria provided, single submitter. Criteria: Invitae Variant Classification Sherloc (09022015). Collection method: clinical testing. Allele origin: germline.

ARUP Laboratories, Molecular Genetics and Genomics, ARUP Laboratories
Classification: Benign. Last evaluated: 2022-02-05. Review status: criteria provided, single submitter. Criteria: ARUP Molecular Germline Variant Investigation Process 2021. Collection method: clinical testing. Allele origin: germline.

Illumina Laboratory Services, Illumina
Classification: Benign for Hereditary sensory neuropathy-deafness-dementia syndrome. Last evaluated: 2018-01-12. Review status: criteria provided, single submitter. Criteria: ICSL Variant Classification Criteria 13 December 2019. Collection method: clinical testing. Allele origin: germline.
Comment: This variant was observed in the ICSL laboratory as part of a predisposition screen in an ostensibly healthy population. It had not been previously curated by ICSL or reported in the Human Gene Mutation Database (HGMD: prior to June 1st, 2018), and was therefore a candidate for classification through an automated scoring system. Utilizing variant allele frequency, disease prevalence and penetrance estimates, and inheritance mode, an automated score was calculated to assess if this variant is too frequent to cause the disease. Based on the score and internal cut-off values, a variant classified as benign is not then subjected to further curation. The score for this variant resulted in a classification of benign for this disease.

NM_001130823.3(DNMT1):c.4860C>T (p.Ala1620=)

Gene: DNMT1 (DNA methyltransferase 1; minus strand). Cytogenetic location: 19p13.2.
Variant type: single nucleotide variant.
Coding change: c.4860C>T on transcript NM_001130823.3 (MANE Select); coding-DNA position 4860, C replaced by T.
Protein change: p.Ala1620=; no amino-acid change (alanine 1620 retained).
Molecular consequence: synonymous variant.
Genome position (GRCh38, 1-based): chr19:10,134,221, G>A on the plus strand (C>T on the coding strand, the complement: DNMT1 is on the minus strand). VCF-style: chr19-10134221-G-A. GRCh37 (hg19) VCF-style: chr19-10244897-G-A.
Other names: c.4860C>T (LRG_362t1, NM_001130823.2); c.4821C>T, p.Ala1607= (NM_001318730.2); c.4497C>T, p.Ala1499= (NM_001318731.2); c.4812C>T, p.Ala1604= (NM_001379.4).
Identifiers: ClinVar variation 539619 (VCV000539619.20), dbSNP rs576877219, ClinGen allele CA9187381.